The following is an entry in ClinVar:

ClinVar aggregate classification (germline): Likely pathogenic (1 of 4 stars; one submission).

Conditions:
Glycine encephalopathy. Also called: Non-ketotic hyperglycinemia; Nonketotic hyperglycinemia. Identifiers: Orphanet 407, MedGen C0751748, MONDO:0011612, HP:0008288.

Submission:

Myriad Genetics, Inc.
Classification: Likely pathogenic for Glycine encephalopathy 1. Last evaluated: 2020-01-30. Review status: criteria provided, single submitter. Criteria: Myriad Women's Health Autosomal Recessive and X-Linked Classification Criteria (2019). Collection method: clinical testing. Allele origin: unknown.
Comment: NM_000170.2(GLDC):c.1039A>T(R347*) is expected to be pathogenic in the context of GLDC-related glycine encephalopathy. This variant is predicted to lead to an abnormal or absent protein product due to the creation of a premature termination codon in GLDC, a gene where loss-of-function variants are known to be pathogenic. Please note: this variant was assessed in the context of healthy population screening.

NM_000170.3(GLDC):c.1039A>T (p.Arg347Ter)

Gene: GLDC (glycine decarboxylase; minus strand). Cytogenetic location: 9p24.1.
Variant type: single nucleotide variant.
Coding change: c.1039A>T on transcript NM_000170.3 (MANE Select); coding-DNA position 1039, A replaced by T.
Protein change: p.Arg347Ter; replaces arginine 347 with a stop codon.
Molecular consequence: nonsense.
Genome position (GRCh38, 1-based): chr9:6,604,607, T>A on the plus strand (A>T on the coding strand, the complement: GLDC is on the minus strand). VCF-style: chr9-6604607-T-A. GRCh37 (hg19) VCF-style: chr9-6604607-T-A.
Other names: short protein forms R347*.
Identifiers: ClinVar variation 984007 (VCV000984007.3), dbSNP rs555359738, ClinGen allele CA372895336.